The following is an entry in ClinVar:

NM_000051.4(ATM):c.4507C>T (p.Gln1503Ter)

Gene: ATM (ATM serine/threonine kinase; plus strand). Cytogenetic location: 11q22.3.
Variant type: single nucleotide variant.
Coding change: c.4507C>T on transcript NM_000051.4 (MANE Select); coding-DNA position 4507, C replaced by T.
Protein change: p.Gln1503Ter; replaces glutamine 1503 with a stop codon.
Molecular consequence: nonsense.
Genome position (GRCh38, 1-based): chr11:108,292,689, C>T. VCF-style: chr11-108292689-C-T. GRCh37 (hg19) VCF-style: chr11-108163416-C-T.
Other names: c.4507C>T, p.Gln1503Ter (NM_001351834.2); short protein forms Q1503*.
Identifiers: ClinVar variation 429084 (VCV000429084.24), dbSNP rs1131691164, ClinGen allele CA382533561.
Genomic context (GRCh38, chr11:108,292,689, plus strand): 5'-ATCATGGATGTGTCATTACGTAGCTTCTCCCTTTGTTGTGACTTATTAAGTCAGGTTTGC[C>T]AGACAGCCGTGACTTACTGTAAGGATGCTCTAGAAAACCATCTTCATGTTATTGTTGGTA-3'

ClinVar aggregate classification (germline): Pathogenic/Likely pathogenic. Review status: criteria provided, multiple submitters, no conflicts (2 of 4 stars). 10 submissions from 10 submitters: Pathogenic (9); Likely pathogenic (1). Last evaluated 2026-07-01.

Conditions:
Familial cancer of breast. Also called: Hereditary breast cancer; BREAST CANCER, FAMILIAL; hereditary breast carcinoma. Identifiers: Orphanet 227535, MedGen C0346153, MONDO:0016419, OMIM 114480. Disease mechanism: loss of function.
Ataxia-telangiectasia syndrome (AT). Also called: Ataxia-telangiectasia, complementation group D; AT, COMPLEMENTATION GROUP C; ATAXIA-TELANGIECTASIA, COMPLEMENTATION GROUP A; ATAXIA-TELANGIECTASIA, FRESNO VARIANT; Ataxia-telangiectasia; Ataxia-telangiectasia, complementation group E. Identifiers: Orphanet 100, MedGen C0004135, MONDO:0008840, OMIM 208900.
Hereditary cancer-predisposing syndrome. Also called: Hereditary neoplastic syndrome; Neoplastic Syndromes, Hereditary; Hereditary Cancer Syndrome; Tumor predisposition. Identifiers: Orphanet 140162, MedGen C0027672, MeSH D009386, MONDO:0015356.

Allele frequency attached by ClinVar (database versions not stated): gnomAD exomes 0.00001; TOPMed 0.00002; gnomAD 0.00004 and 0.00005.

Submissions (10):

CeGaT Center for Human Genetics Tuebingen
Classification: Pathogenic. Last evaluated: 2026-07-01. Review status: criteria provided, single submitter. Criteria: CeGaT Center For Human Genetics Tuebingen Variant Classification Criteria Version 2. Collection method: clinical testing. Allele origin: germline. Affected: yes. Observed: 1 variant allele.
Comment: ATM: PVS1, PM2

Labcorp Genetics (formerly Invitae), Labcorp
Classification: Pathogenic for Ataxia-telangiectasia syndrome. Last evaluated: 2025-09-28. Review status: criteria provided, single submitter. Criteria: Invitae Variant Classification Sherloc (09022015). Collection method: clinical testing. Allele origin: germline.
Comment: This sequence change creates a premature translational stop signal (p.Gln1503*) in the ATM gene. It is expected to result in an absent or disrupted protein product. Loss-of-function variants in ATM are known to be pathogenic (PMID: 23807571, 25614872). This variant is present in population databases (no rsID available, gnomAD 0.009%). This premature translational stop signal has been observed in individual(s) with ataxia-telangiectasia (PMID: 9682216). ClinVar contains an entry for this variant (Variation ID: 429084). RNA analysis performed to evaluate the impact of this premature translational stop signal on mRNA splicing indicates it does not significantly alter splicing (internal data). For these reasons, this variant has been classified as Pathogenic.

Hereditary Cancer Laboratory, Hospital Universitario 12 de Octubre
Classification: Pathogenic for Hereditary cancer-predisposing syndrome. Last evaluated: 2025-04-01. Review status: criteria provided, single submitter. Criteria: ACMG Guidelines, 2015. Collection method: clinical testing. Allele origin: germline.
Comment: PVS1+PM2

Ambry Genetics
Classification: Pathogenic for Hereditary cancer-predisposing syndrome. Last evaluated: 2025-02-04. Review status: criteria provided, single submitter. Criteria: Ambry Variant Classification Scheme 2023. Collection method: clinical testing. Allele origin: germline.
Comment: The p.Q1503* pathogenic mutation (also known as c.4507C>T), located in coding exon 29 of the ATM gene, results from a C to T substitution at nucleotide position 4507. This changes the amino acid from a glutamine to a stop codon within coding exon 29. This alteration has been well described in multiple Ataxia-Telangiectasia families and has been reported as a founder mutation in the Costa Rican population (Mitui M et al, Hum. Mutat. 2003 Jul; 22(1):43-50; Telatar M et al, Mol. Genet. Metab. 1998 May; 64(1):36-4; Termsarasab P et al, Tremor Other Hyperkinet Mov (N Y) 2015 ; 5:298). In addition to the clinical data presented in the literature, this alteration is expected to result in loss of function by premature protein truncation or nonsense-mediated mRNA decay. As such, this alteration is interpreted as a disease-causing mutation.

Color Diagnostics, LLC DBA Color Health
Classification: Pathogenic for Hereditary cancer-predisposing syndrome. Last evaluated: 2024-06-14. Review status: criteria provided, single submitter. Criteria: ACMG Guidelines, 2015. Collection method: clinical testing. Allele origin: germline.
Comment: This variant changes 1 nucleotide in exon 30/63 of the ATM gene, creating a premature translation stop signal. This variant is expected to result in an absent or non-functional protein product. This variant has been reported in individuals affected with breast cancer (PMID: 32842532, 34204722). This variant has also been reported in the homozygous state and compound heterozygous state with a second pathogenic variant in individuals affected with ataxia-telangiectasia and described as a founder mutation in the Costa Rican population (PMID: 9682216, 12815592, 25793145). This variant has been identified in 2/251314 chromosomes in the general population by the Genome Aggregation Database (gnomAD). Loss of ATM function is a known mechanism of disease. Based on the available evidence, this variant is classified as Pathogenic.

Myriad Genetics, Inc.
Classification: Pathogenic for Familial cancer of breast. Last evaluated: 2024-01-24. Review status: criteria provided, single submitter. Criteria: Myriad Autosomal Dominant, Autosomal Recessive and X-Linked Classification Criteria (2023). Collection method: clinical testing. Allele origin: unknown.
Comment: This variant is considered pathogenic. This variant creates a termination codon and is predicted to result in premature protein truncation.

Baylor Genetics
Classification: Pathogenic for Familial cancer of breast. Last evaluated: 2023-07-03. Review status: criteria provided, single submitter. Criteria: ACMG Guidelines, 2015. Collection method: clinical testing. Allele origin: unknown.

Revvity Omics, Revvity
Classification: Pathogenic for Ataxia-telangiectasia syndrome. Last evaluated: 2019-06-28. Review status: criteria provided, single submitter. Criteria: ACMG Guidelines, 2015. Collection method: clinical testing. Allele origin: germline.

Fulgent Genetics
Classification: Pathogenic for Familial cancer of breast; Ataxia-telangiectasia syndrome. Last evaluated: 2018-10-31. Review status: criteria provided, single submitter. Criteria: ACMG Guidelines, 2015. Collection method: clinical testing. Allele origin: unknown.

GeneDx
Classification: Likely pathogenic. Last evaluated: 2017-03-31. Review status: criteria provided, single submitter. Criteria: GeneDx Variant Classification (06012015). Collection method: clinical testing. Allele origin: germline. Affected: yes.
Comment: This variant is denoted ATM c.4507C>T at the cDNA level and p.Gln1503Ter (Q1503X) at the protein level. The substitution creates a nonsense variant, which changes a Glutamine to a premature stop codon (CAG>TAG), and is predicted to cause loss of normal protein function through either protein truncation or nonsense-mediated mRNA decay. This variant has been reported, in both the homozygous and compound heterozygous state, in at least two individuals with ataxia telengiectasia and has been reported as a Costa Rican founder variant (Rivero-Carmena 2000). We consider this variant to be a likely pathogenic variant.

Literature cited by the submitters: PubMed 23807571 (cited by Labcorp Genetics (formerly Invitae), Labcorp); PubMed 25614872 (cited by Labcorp Genetics (formerly Invitae), Labcorp); PubMed 9682216 (cited by 3 submitters); PubMed 12815592 (cited by Ambry Genetics and Color Diagnostics, LLC DBA Color Health); PubMed 25525159 (cited by Ambry Genetics); PubMed 25793145 (cited by Ambry Genetics and Color Diagnostics, LLC DBA Color Health); PubMed 32842532 (cited by Ambry Genetics and Color Diagnostics, LLC DBA Color Health); PubMed 34204722 (cited by Color Diagnostics, LLC DBA Color Health).